The following is an entry in ClinVar:

NM_000051.4(ATM):c.777T>G (p.Leu259=)

Gene: ATM (ATM serine/threonine kinase; plus strand). Cytogenetic location: 11q22.3.
Variant type: single nucleotide variant.
Coding change: c.777T>G on transcript NM_000051.4 (MANE Select); coding-DNA position 777, T replaced by G.
Protein change: p.Leu259=; no amino-acid change (leucine 259 retained).
Molecular consequence: synonymous variant.
Genome position (GRCh38, 1-based): chr11:108,244,902, T>G. VCF-style: chr11-108244902-T-G. GRCh37 (hg19) VCF-style: chr11-108115629-T-G.
Other names: c.777T>G, p.Leu259= (NM_001351834.2).
Identifiers: ClinVar variation 3254283 (VCV003254283.1), dbSNP rs2135240556.
Genomic context (GRCh38, chr11:108,244,902, plus strand): 5'-CCTCAAGACTTTGGCTGTCAACTTTCGAATTCGAGTGTGTGAATTAGGAGATGAAATTCT[T>G]CCCACTTTGCTTTATATTTGGACTCAACATAGGCTTAATGATTCTTTAAAAGAAGTCATT-3'
Protein context (NP_000042.3, residues 249-269): IRVCELGDEI[Leu259=]PTLLYIWTQH

ClinVar aggregate classification (germline): Benign (1 of 4 stars; one submission).

Conditions:
Familial cancer of breast. Also called: BREAST CANCER, FAMILIAL; Hereditary breast cancer; hereditary breast carcinoma. Identifiers: Orphanet 227535, MedGen C0346153, MONDO:0016419, OMIM 114480. Disease mechanism: loss of function.

Submission:

Myriad Genetics, Inc.
Classification: Benign for Familial cancer of breast. Last evaluated: 2024-04-23. Review status: criteria provided, single submitter. Criteria: Myriad Autosomal Dominant, Autosomal Recessive and X-Linked Classification Criteria (2023). Collection method: clinical testing. Allele origin: unknown.
Comment: This variant is considered benign. This variant is a silent/synonymous amino acid change and it is not expected to impact splicing.